The following is an entry in ClinVar:

ClinVar aggregate classification (germline): Uncertain significance (1 of 4 stars; one submission).

gnomAD v4.1: 2 of 1,613,136 alleles (0.00012%); highest among the groups gnomAD compares: Non-Finnish European, 0.00017%; no homozygotes.

Submission:

CeGaT Center for Human Genetics Tuebingen
Classification: Uncertain significance. Last evaluated: 2026-03-01. Review status: criteria provided, single submitter. Criteria: CeGaT Center For Human Genetics Tuebingen Variant Classification Criteria Version 2. Collection method: clinical testing. Allele origin: germline. Affected: yes. Observed: 1 variant allele.
Comment: BRD4: PP2

NM_001379291.1(BRD4):c.3613C>G (p.Leu1205Val)

Gene: BRD4 (bromodomain containing 4; minus strand). Cytogenetic location: 19p13.12.
Variant type: single nucleotide variant.
Coding change: c.3613C>G on transcript NM_001379291.1 (MANE Select); coding-DNA position 3613, C replaced by G.
Protein change: p.Leu1205Val; replaces leucine 1205 with valine.
Molecular consequence: missense variant.
Genome position (GRCh38, 1-based): chr19:15,239,228, G>C on the plus strand (C>G on the coding strand, the complement: BRD4 is on the minus strand). VCF-style: chr19-15239228-G-C. GRCh37 (hg19) VCF-style: chr19-15350039-G-C.
Other names: c.3613C>G, p.Leu1205Val (NM_058243.3); short protein forms L1205V.
Identifiers: ClinVar variation 4823719 (VCV004823719.4).